The following is an entry in ClinVar:

ClinVar aggregate classification (germline): Uncertain significance (1 of 4 stars; one submission).

Conditions:
Dilated cardiomyopathy 1JJ (CMD1JJ). Identifiers: Orphanet 154, MedGen C3808935, MONDO:0014095, OMIM 615235.

Allele frequency attached by ClinVar (database versions not stated): gnomAD 0.00001; TOPMed 0.00001; 1000 Genomes Project 0.00020; 1000 Genomes Project 30x 0.00031; ExAC 0.00001.
gnomAD v4.1: 6 of 1,613,882 alleles (0.00037%); highest among the groups gnomAD compares: South Asian, 0.0022%; no homozygotes.

Submission:

Labcorp Genetics (formerly Invitae), Labcorp
Classification: Uncertain significance for Dilated cardiomyopathy 1JJ. Last evaluated: 2025-12-15. Review status: criteria provided, single submitter. Criteria: Invitae Variant Classification Sherloc (09022015). Collection method: clinical testing. Allele origin: germline.
Comment: This sequence change replaces arginine, which is basic and polar, with cysteine, which is neutral and slightly polar, at codon 690 of the LAMA4 protein (p.Arg690Cys). This variant is present in population databases (rs181358096, gnomAD 0.004%). This variant has not been reported in the literature in individuals affected with LAMA4-related conditions. ClinVar contains an entry for this variant (Variation ID: 2981327). Invitae Evidence Modeling of protein sequence and biophysical properties (such as structural, functional, and spatial information, amino acid conservation, physicochemical variation, residue mobility, and thermodynamic stability) indicates that this missense variant is expected to disrupt LAMA4 protein function with a positive predictive value of 80%. In summary, the available evidence is currently insufficient to determine the role of this variant in disease. Therefore, it has been classified as a Variant of Uncertain Significance.

NM_001105206.3(LAMA4):c.2089C>T (p.Arg697Cys)

Gene: LAMA4 (laminin subunit alpha 4; minus strand). Cytogenetic location: 6q21.
Variant type: single nucleotide variant.
Coding change: c.2089C>T on transcript NM_001105206.3 (MANE Select); coding-DNA position 2089, C replaced by T.
Protein change: p.Arg697Cys; replaces arginine 697 with cysteine.
Molecular consequence: missense variant.
Genome position (GRCh38, 1-based): chr6:112,150,595, G>A on the plus strand (C>T on the coding strand, the complement: LAMA4 is on the minus strand). VCF-style: chr6-112150595-G-A. GRCh37 (hg19) VCF-style: chr6-112471797-G-A.
Other names: c.2068C>T, p.Arg690Cys (NM_001105207.3, NM_002290.5); short protein forms R690C, R697C.
Identifiers: ClinVar variation 2981327 (VCV002981327.3), dbSNP rs181358096, ClinGen allele CA3965586.
Genomic context (GRCh38, chr6:112,150,595, plus strand): 5'-TAACGGCATCACTGAGTCTGGTTTTAAGGGCACTTTTCCTTGCTAGGGCTCCACCCACAC[G>A]CCTGCTAGTGTCAGCCACTGCTTCATCACTGCCTGTGGAAGAGCAGCAGAAAGAAGTACT-3'
Protein context (NP_001098676.2, residues 687-707): SDEAVADTSR[Arg697Cys]VGGALARKSA